The following is an entry in ClinVar:

NM_000038.6(APC):c.3455A>T (p.Gln1152Leu)

Gene: APC (APC regulator of Wnt signaling pathway; plus strand). Cytogenetic location: 5q22.2.
Variant type: single nucleotide variant.
Coding change: c.3455A>T on transcript NM_000038.6 (MANE Select); coding-DNA position 3455, A replaced by T.
Protein change: p.Gln1152Leu; replaces glutamine 1152 with leucine.
Molecular consequence: missense variant. On other transcripts: non-coding transcript variant (2).
Genome position (GRCh38, 1-based): chr5:112,839,049, A>T. VCF-style: chr5-112839049-A-T. GRCh37 (hg19) VCF-style: chr5-112174746-A-T.
Other names: c.3455A>T, p.Gln1152Leu (NM_001127510.3, NM_001354895.2, NM_001407450.1); c.3401A>T, p.Gln1134Leu (NM_001127511.3); c.3509A>T, p.Gln1170Leu (NM_001354896.2, NM_001407447.1, NM_001407448.1 and 1 more transcripts); c.3485A>T, p.Gln1162Leu (NM_001354897.2); c.3380A>T, p.Gln1127Leu (NM_001354898.2); c.3371A>T, p.Gln1124Leu (NM_001354899.2); c.3332A>T, p.Gln1111Leu (NM_001354900.2); c.3278A>T, p.Gln1093Leu (NM_001354901.2, NM_001407453.1); and 11 more; short protein forms Q1069L, Q1134L, Q1152L, Q992L, Q1023L, Q1127L, Q1145L, Q1170L.
Identifiers: ClinVar variation 4580259 (VCV004580259.1).
Genomic context (GRCh38, chr5:112,839,049, plus strand): 5'-AAGATGACTATGAAGATGATAAGCCTACCAATTATAGTGAACGTTACTCTGAAGAAGAAC[A>T]GCATGAAGAAGAAGAGAGACCAACAAATTATAGCATAAAATATAATGAAGAGAAACGTCA-3'
Protein context (NP_000029.2, residues 1142-1162): NYSERYSEEE[Gln1152Leu]HEEEERPTNY

ClinVar aggregate classification (germline): Uncertain significance (1 of 4 stars; one submission).

Conditions:
Hereditary cancer-predisposing syndrome. Also called: Neoplastic Syndromes, Hereditary; Tumor predisposition; Hereditary Cancer Syndrome; Hereditary neoplastic syndrome. Identifiers: Orphanet 140162, MedGen C0027672, MeSH D009386, MONDO:0015356.

Submission:

Ambry Genetics
Classification: Uncertain significance for Hereditary cancer-predisposing syndrome. Last evaluated: 2025-10-05. Review status: criteria provided, single submitter. Criteria: Ambry Variant Classification Scheme 2023. Collection method: clinical testing. Allele origin: germline.
Comment: The p.Q1152L variant (also known as c.3455A>T), located in coding exon 15 of the APC gene, results from an A to T substitution at nucleotide position 3455. The glutamine at codon 1152 is replaced by leucine, an amino acid with dissimilar properties. This amino acid position is conserved. In addition, in silico predictors for this gene do not accurately predict pathogenicity. Based on the available evidence, the clinical significance of this variant remains unclear.